The following is an entry in ClinVar:

NM_001848.3(COL6A1):c.1776+12T>G

Gene: COL6A1 (collagen type VI alpha 1 chain; plus strand). Cytogenetic location: 21q22.3.
Variant type: single nucleotide variant.
Coding change: c.1776+12T>G on transcript NM_001848.3 (MANE Select); 12 bases into the intron after coding-DNA position 1776, T replaced by G.
Molecular consequence: intron variant.
Genome position (GRCh38, 1-based): chr21:45,999,704, T>G. VCF-style: chr21-45999704-T-G. GRCh37 (hg19) VCF-style: chr21-47419618-T-G.
Identifiers: ClinVar variation 3902679 (VCV003902679.1).

ClinVar aggregate classification (germline): Likely benign (1 of 4 stars; one submission).

gnomAD v4.1: 11 of 1,611,536 alleles (0.00068%); highest among the groups gnomAD compares: South Asian, 0.0022%; no homozygotes.

Submission:

Women's Health and Genetics/Laboratory Corporation of America, LabCorp
Classification: Likely benign. Last evaluated: 2025-05-27. Review status: criteria provided, single submitter. Criteria: LabCorp Variant Classification Summary - May 2015. Collection method: clinical testing. Allele origin: germline.
Comment: Variant summary: COL6A1 c.1776+12T>G alters a non-conserved nucleotide located at a position not widely known to affect splicing. Consensus agreement among computation tools predict no significant impact on normal splicing. However, these predictions have yet to be confirmed by functional studies. The variant allele was found at a frequency of 4e-06 in 248370 control chromosomes. The available data on variant occurrences in the general population are insufficient to allow any conclusion about variant significance. To our knowledge, no occurrence of c.1776+12T>G in individuals affected with Ullrich congenital muscular dystrophy 1 and no experimental evidence demonstrating its impact on protein function have been reported. No submitters have cited clinical-significance assessments for this variant to ClinVar. Based on the evidence outlined above, the variant was classified as likely benign.